The following is an entry in ClinVar:

ClinVar aggregate classification (germline): Likely benign (1 of 4 stars; one submission).

gnomAD v4.1: 1 of 1,184,217 alleles (0.000084%); no homozygotes.

Submission:

CeGaT Center for Human Genetics Tuebingen
Classification: Likely benign. Last evaluated: 2025-09-01. Review status: criteria provided, single submitter. Criteria: CeGaT Center For Human Genetics Tuebingen Variant Classification Criteria Version 2. Collection method: clinical testing. Allele origin: germline. Affected: yes. Observed: 1 variant allele.
Comment: ALG13: BP4, BP7

NM_001099922.3(ALG13):c.1248T>C (p.Asn416=)

Gene: ALG13 (ALG13 UDP-N-acetylglucosaminyltransferase subunit; plus strand). Cytogenetic location: Xq23.
Variant type: single nucleotide variant.
Coding change: c.1248T>C on transcript NM_001099922.3 (MANE Select); coding-DNA position 1248, T replaced by C.
Protein change: p.Asn416=; no amino-acid change (asparagine 416 retained).
Molecular consequence: synonymous variant. On other transcripts: non-coding transcript variant (1).
Genome position (GRCh38, 1-based): chrX:111,718,272, T>C. VCF-style: chrX-111718272-T-C. GRCh37 (hg19) VCF-style: chrX-110961500-T-C.
Other names: c.936T>C, p.Asn312= (NM_001257230.2, NM_001257234.2, NM_001257237.2 and 1 more transcripts); c.1014T>C, p.Asn338= (NM_001257231.2); c.1248T>C, p.Asn416= (NM_001324292.2).
Identifiers: ClinVar variation 4084659 (VCV004084659.8).
Genomic context (GRCh38, chrX:111,718,272, plus strand): 5'-AAATAATGCTGTAACTGGAAGCGAGGATGCCCATACTGATTACAAGAGTTCAAATCAGAA[T>C]AGGTAATAAAGGGAAAGGGGATATCATGATAATTATGTTTCATACTTCTGTGCATAATCA-3'
Protein context (NP_001093392.1, residues 406-426): AHTDYKSSNQ[Asn416=]RMEEWGACYN